The following is an entry in ClinVar:

NM_000448.3(RAG1):c.625C>A (p.Pro209Thr)

Gene: RAG1 (recombination activating 1; plus strand). Cytogenetic location: 11p12.
Variant type: single nucleotide variant.
Coding change: c.625C>A on transcript NM_000448.3 (MANE Select); coding-DNA position 625, C replaced by A.
Protein change: p.Pro209Thr; replaces proline 209 with threonine.
Molecular consequence: missense variant.
Genome position (GRCh38, 1-based): chr11:36,573,929, C>A. VCF-style: chr11-36573929-C-A. GRCh37 (hg19) VCF-style: chr11-36595479-C-A.
Other names: c.625C>A, p.Pro209Thr (NM_001377277.1, NM_001377278.1, NM_001377279.1 and 1 more transcripts); short protein forms P209T.
Identifiers: ClinVar variation 936867 (VCV000936867.5), dbSNP rs867348931, ClinGen allele CA220600329.
Genomic context (GRCh38, chr11:36,573,929, plus strand): 5'-AGTGCCCCATGTGAGGTTTACTTCCCGAGGAACGTGACCATGGAGTGGCACCCCCACACA[C>A]CATCCTGTGACATCTGCAACACTGCCCGTCGGGGACTCAAGAGGAAGAGTCTTCAGCCAA-3'
Protein context (NP_000439.2, residues 199-219): NVTMEWHPHT[Pro209Thr]SCDICNTARR

ClinVar aggregate classification (germline): Uncertain significance (1 of 4 stars; one submission).

Conditions:
Combined immunodeficiency with skin granulomas. Identifiers: Orphanet 157949, MedGen C2673536, MONDO:0009306, OMIM 233650.
Severe combined immunodeficiency, autosomal recessive, T cell-negative, B cell-negative, NK cell-positive. Also called: SCID, AR, T-cell negative, B-cell negative, NK cell-positive; SCID, T CELL-NEGATIVE, B CELL-NEGATIVE, NK CELL-POSITIVE; Severe combined immunodeficiency due to complete RAG1/2 deficiency. Identifiers: Orphanet 331206, MedGen C1832322, MONDO:0011086, OMIM 601457.

gnomAD v4.1: 1 of 1,614,144 alleles (0.000062%); no homozygotes.

Submission:

Labcorp Genetics (formerly Invitae), Labcorp
Classification: Uncertain significance for Combined immunodeficiency with skin granulomas; Severe combined immunodeficiency, autosomal recessive, T cell-negative, B cell-negative, NK cell-positive. Last evaluated: 2024-04-23. Review status: criteria provided, single submitter. Criteria: Invitae Variant Classification Sherloc (09022015). Collection method: clinical testing. Allele origin: germline.
Comment: This sequence change replaces proline, which is neutral and non-polar, with threonine, which is neutral and polar, at codon 209 of the RAG1 protein (p.Pro209Thr). This variant is not present in population databases (gnomAD no frequency). This variant has not been reported in the literature in individuals affected with RAG1-related conditions. ClinVar contains an entry for this variant (Variation ID: 936867). Advanced modeling of protein sequence and biophysical properties (such as structural, functional, and spatial information, amino acid conservation, physicochemical variation, residue mobility, and thermodynamic stability) performed at Invitae indicates that this missense variant is not expected to disrupt RAG1 protein function with a negative predictive value of 80%. In summary, the available evidence is currently insufficient to determine the role of this variant in disease. Therefore, it has been classified as a Variant of Uncertain Significance.